The following is an entry in ClinVar:

NM_001379110.1(SLC9A6):c.1958G>A (p.Arg653Gln)

Gene: SLC9A6 (solute carrier family 9 member A6; plus strand). Cytogenetic location: Xq26.3.
Variant type: single nucleotide variant.
Coding change: c.1958G>A on transcript NM_001379110.1 (MANE Select); coding-DNA position 1958, G replaced by A.
Protein change: p.Arg653Gln; replaces arginine 653 with glutamine.
Molecular consequence: missense variant.
Genome position (GRCh38, 1-based): chrX:136,044,642, G>A. VCF-style: chrX-136044642-G-A. GRCh37 (hg19) VCF-style: chrX-135126801-G-A.
Other names: c.2024G>A, p.Arg675Gln (NM_001042537.2); c.1868G>A, p.Arg623Gln (NM_001177651.2); c.1772G>A, p.Arg591Gln (NM_001330652.2); c.1928G>A, p.Arg643Gln (NM_006359.3); short protein forms R643Q, R675Q, R591Q, R623Q, R653Q.
Identifiers: ClinVar variation 1470049 (VCV001470049.8), dbSNP rs1177738754, ClinGen allele CA414757210.

ClinVar aggregate classification (germline): Uncertain significance (1 of 4 stars; one submission).

Conditions:
Christianson syndrome (MRXSCH). Also called: SLC9A6-Related Syndromic Mental Retardation; INTELLECTUAL DEVELOPMENTAL DISORDER, X-LINKED, SYNDROMIC, CHRISTIANSON TYPE; X-linked mental retardation, syndromic, Christianson type. Identifiers: Orphanet 85278, MedGen C2678194, MONDO:0010278, OMIM 300243.

Allele frequency attached by ClinVar (database versions not stated): gnomAD exomes below 0.00001 and 0.00001; TOPMed below 0.00001.
gnomAD v4.1: 1 of 1,209,811 alleles (0.000083%); highest among the groups gnomAD compares: South Asian, 0.0018%; no homozygotes.

Submission:

Labcorp Genetics (formerly Invitae), Labcorp
Classification: Uncertain significance for Christianson syndrome. Last evaluated: 2021-06-22. Review status: criteria provided, single submitter. Criteria: Invitae Variant Classification Sherloc (09022015). Collection method: clinical testing. Allele origin: germline.
Comment: This variant is not present in population databases (ExAC no frequency). In summary, the available evidence is currently insufficient to determine the role of this variant in disease. Therefore, it has been classified as a Variant of Uncertain Significance. Algorithms developed to predict the effect of missense changes on protein structure and function are either unavailable or do not agree on the potential impact of this missense change (SIFT: "Tolerated"; PolyPhen-2: "Probably Damaging"; Align-GVGD: "Class C0"). This variant has not been reported in the literature in individuals with SLC9A6-related conditions. This sequence change replaces arginine with glutamine at codon 643 of the SLC9A6 protein (p.Arg643Gln). The arginine residue is moderately conserved and there is a small physicochemical difference between arginine and glutamine.